The following is an entry in ClinVar:

ClinVar aggregate classification (germline): Likely benign (1 of 4 stars; one submission).

gnomAD v4.1: 214 of 1,603,102 alleles (0.013%); highest among the groups gnomAD compares: South Asian, 0.077%; 2 homozygotes.

Submission:

CeGaT Center for Human Genetics Tuebingen
Classification: Likely benign. Last evaluated: 2024-09-01. Review status: criteria provided, single submitter. Criteria: CeGaT Center For Human Genetics Tuebingen Variant Classification Criteria Version 2. Collection method: clinical testing. Allele origin: germline. Affected: yes. Observed: 1 variant allele.
Comment: BFSP1: BP4, BP7

NM_001195.5(BFSP1):c.711G>A (p.Ala237=)

Gene: BFSP1 (beaded filament structural protein 1; minus strand). Cytogenetic location: 20p12.1.
Variant type: single nucleotide variant.
Coding change: c.711G>A on transcript NM_001195.5 (MANE Select); coding-DNA position 711, G replaced by A.
Protein change: p.Ala237=; no amino-acid change (alanine 237 retained).
Molecular consequence: synonymous variant. On other transcripts: intron variant (1).
Genome position (GRCh38, 1-based): chr20:17,508,913, C>T on the plus strand (G>A on the coding strand, the complement: BFSP1 is on the minus strand). VCF-style: chr20-17508913-C-T. GRCh37 (hg19) VCF-style: chr20-17489558-C-T.
Other names: c.336G>A, p.Ala112= (NM_001161705.2); c.294G>A, p.Ala98= (NM_001278606.2, NM_001278608.2); c.378G>A, p.Ala126= (NM_001278607.2); c.627+3063G>A (NM_001424338.1).
Identifiers: ClinVar variation 3388058 (VCV003388058.14).
Genomic context (GRCh38, chr20:17,508,913, plus strand): 5'-GAAGCCCCAATGCACACGCGGCAGACTCGAGCGTACCTGTGCCTGCAGCTCCACTCTCTG[C>T]GCCTGCAGGTGGGAGAGCACCTCCCGGCCCTCCTCCAGCTGACTCCGCAGGGCGGCCACC-3'
Protein context (NP_001186.1, residues 227-247): EGREVLSHLQ[Ala237=]QRVELQAQTT